The following is an entry in ClinVar:

ClinVar aggregate classification (germline): Benign (1 of 4 stars; one submission).

Conditions:
Leigh syndrome (NULS). Also called: Leigh's necrotizing encephalopathy; Leigh's disease; Leigh Syndrome (mtDNA deletion); Leigh Disease; Subacute necrotizing encephalopathy; Necrotizing encephalopathy infantile subacute of Leigh. Identifiers: Orphanet 506, MedGen C2931891, MONDO:0009723, OMIM 256000.

Submission:

Wong Mito Lab, Molecular and Human Genetics, Baylor College of Medicine
Classification: Benign for Leigh syndrome. Last evaluated: 2019-10-17. Review status: criteria provided, single submitter. Criteria: Modified ACMG Guidelines (Unpublished). Collection method: clinical testing. Allele origin: germline.
Comment: The NC_012920.1:m.8454A>G (YP_003024030.1:p.Asn30Ser) variant in MTATP8 gene is interpretated to be a Benign variant based on the modified ACMG guidelines (unpublished). This variant meets the following evidence codes: BS1, BS2

NC_012920.1(MT-ATP8):m.8454A>G

Gene: MT-ATP8 (mitochondrially encoded ATP synthase 8; plus strand).
Variant type: single nucleotide variant.
Genome position: chrM-8454-A-G.
Identifiers: ClinVar variation 692861 (VCV000692861.1), dbSNP rs1603221488, ClinGen allele CA414796168.
Genomic context (GRCh38, chrMT:8,454, plus strand): 5'-CCACCATAATTACCCCCATACTCCTTACACTATTCCTCATCACCCAACTAAAAATATTAA[A>G]CACAAACTACCACCTACCTCCCTCACCAAAGCCCATAAAAATAAAAAATTATAACAAACC-3'